The following is an entry in ClinVar:

ClinVar aggregate classification (germline): Likely benign. Review status: reviewed by expert panel (3 of 4 stars). 5 submissions from 5 submitters: Likely benign (1). 4 of the submissions do not count toward it. Last evaluated 2026-02-24.

Conditions:
Stargardt disease (FFM). Also called: Stargardt's disease; Fundus flavimaculatus. Identifiers: Orphanet 827, MedGen C0271093, MONDO:0019353.
ABCA4-related retinopathy. Also called: ABCA4-related retinoapthy; ABCA4 retinoapthy. Identifiers: MedGen CN322612, MONDO:0800406.

Allele frequency attached by ClinVar (database versions not stated): 1000 Genomes Project 30x 0.00016; 1000 Genomes Project 0.00020; gnomAD exomes 0.00025 and 0.00030; gnomAD 0.00026; ExAC 0.00027; TOPMed 0.00028; ESP Exome Variant Server 0.00046.
gnomAD v4.1: 414 of 1,613,162 alleles (0.026%); highest among the groups gnomAD compares: Middle Eastern, 0.11%; 2 homozygotes.

Submissions (5):

ClinGen ABCA4 Variant Curation Expert Panel, Clingen
Classification: Likely benign for ABCA4-related retinopathy. Last evaluated: 2026-02-24. Review status: reviewed by expert panel. Criteria: ClinGen ABCA4 ACMG Specifications V1.0.0. Collection method: curation. Allele origin: germline. Inheritance: Autosomal recessive inheritance.
Comment: The NM_000350.3(ABCA4):c.2383-13C>T variant in ABCA4 is an intronic variant which is located in intron 15. To our knowledge, this variant has not been reported in the literature in any individuals with ABCA4-related retinopathy. The total minor allele frequency in gnomAD v4.1.0 is 0.0002566 (414/1613162 alleles), and the GroupMax filtering allele frequency is 0.0004878, which is higher than the ClinGen ABCA4 VCEP’s threshold for PM2_Supporting (<0.0001) and lower than the threshold for BS1_Supporting (>0.00163). The computational predictor SpliceAI gives a score of 0.07, which is below the threshold of <or= 0.1 so BP4 is met. This intronic variant is located within the region immediately flanking the exon (between -1 and -21), so BP7 is not applicable. In summary, this variant is classified as likely benign for ABCA4-related retinopathy, as specified by the ClinGen ABCA4 VCEP Specification Version v1.0.0: BP4.

Labcorp Genetics (formerly Invitae), Labcorp
Classification: Likely benign. Last evaluated: 2026-02-01. Review status: criteria provided, single submitter. Criteria: Invitae Variant Classification Sherloc (09022015). Collection method: clinical testing. Allele origin: germline. Not counted in ClinVar's aggregate classification.

Blueprint Genetics
Classification: Likely benign. Last evaluated: 2024-10-21. Review status: criteria provided, single submitter. Criteria: ACMG Guidelines, 2015. Collection method: clinical testing. Allele origin: germline. Not counted in ClinVar's aggregate classification.

Lab De Baere, Eye and Developmental Genetics Lab, Ghent University
Classification: Uncertain significance for Stargardt disease. Last evaluated: 2024-10-01. Review status: criteria provided, single submitter. Criteria: ACMG Guidelines, 2015. Collection method: research. Allele origin: inherited. Affected: yes. Observed: 1 variant allele. Not counted in ClinVar's aggregate classification.
Comment: ACMG/AMP guidelines: PM2, PP4_PP, BP6, BP4

GeneDx
Classification: Benign. Last evaluated: 2015-03-03. Review status: criteria provided, single submitter. Criteria: GeneDx Variant Classification Process June 2021. Collection method: clinical testing. Allele origin: germline. Affected: yes. Not counted in ClinVar's aggregate classification.

NM_000350.3(ABCA4):c.2383-13C>T

Gene: ABCA4 (ATP binding cassette subfamily A member 4; minus strand). Cytogenetic location: 1p22.1.
Variant type: single nucleotide variant.
Coding change: c.2383-13C>T on transcript NM_000350.3 (MANE Select); 13 bases into the intron before coding-DNA position 2383, C replaced by T.
Molecular consequence: intron variant.
Genome position (GRCh38, 1-based): chr1:94,055,328, G>A on the plus strand (C>T on the coding strand, the complement: ABCA4 is on the minus strand). VCF-style: chr1-94055328-G-A. GRCh37 (hg19) VCF-style: chr1-94520884-G-A.
Identifiers: ClinVar variation 1155514 (VCV001155514.15), dbSNP rs56026711, ClinGen allele CA958279.
Genomic context (GRCh38, chr1:94,055,328, plus strand): 5'-AACCAGGTACTCAGTGCCAAATCCAAATGCCACCGGAGACAGTAAGCTCTGCAGTGAGGC[G>A]GAGAGGGCACAGAAAAAGAGCAGTGCCTTTTATCCAATGCAACAGCACCCAGATGCCCTC-3'